The following is an entry in ClinVar:

ClinVar aggregate classification (germline): Uncertain significance. Review status: criteria provided, multiple submitters, no conflicts (2 of 4 stars). 4 submissions from 4 submitters: Uncertain significance (4). Last evaluated 2026-08-06.

Conditions:
Skin creases, congenital symmetric circumferential, 1. Also called: SKIN CREASES, MULTIPLE BENIGN RING-SHAPED, OF LIMBS; CIRCUMFERENTIAL SKIN CREASES, KUNZE TYPE; Multiple benign circumferential skin creases on limbs 1; MICHELIN TIRE BABY SYNDROME. Identifiers: MedGen C4551592, MONDO:0020738, OMIM 156610.
Complex cortical dysplasia with other brain malformations 6. Identifiers: MedGen C4014283, MONDO:0014341, OMIM 615771.

Submissions (4):

OLLIN Analises Genomicas, OLLIN
Classification: Uncertain significance for Skin creases, congenital symmetric circumferential, 1. Last evaluated: 2026-08-06. Review status: criteria provided, single submitter. Criteria: ACMG Guidelines 2015 PMID 25741868. Collection method: clinical testing. Allele origin: germline. Inheritance: Autosomal dominant inheritance.
Comment: This missense variant, located in exon 2 (of 4), is absent from gnomAD and has not been identified in the literature. However, it has been reported in ClinVar (accession VCV001031753.5). In silico analysis is inconclusive regarding the impact of this variant. This gene is constrained for missense variation. According to the currently available evidence, this variant has been classified as uncertain significance (PM2_P, PP2).

Pittsburgh Clinical Genomics Laboratory, University of Pittsburgh Medical Center
Classification: Uncertain significance for Skin creases, congenital symmetric circumferential, 1. Last evaluated: 2023-11-22. Review status: criteria provided, single submitter. Criteria: ACMG Guidelines, 2015. Collection method: clinical testing. Allele origin: germline. Inheritance: Autosomal dominant inheritance. Affected: yes.
Comment: This sequence variant is a single nucleotide substitution (C>T) at position 161 of the coding sequence of the TUBB gene that results in an alanine to valine amino acid change at residue 54 of the tubulin beta class I protein. This is a previously reported variant (ClinVar 1031753) that has not been observed in the literature in individuals affected by TUBB-related disease, to our knowledge. This variant is absent from the gnomAD population database (0/~152000 alleles). Multiple bioinformatic tools predict that this alanine to valine amino acid change would be neutral, and the Ala54 residue at this position is highly conserved across the vertebrate species examined. Studies examining the functional consequence of this variant have not been performed, to our knowledge. At this time, there is insufficient evidence to determine if this variant is pathogenic or benign. Therefore, we consider this a variant of uncertain significance. ACMG Criteria: BP4, PM2

Victorian Clinical Genetics Services, Murdoch Childrens Research Institute
Classification: Uncertain significance for Complex cortical dysplasia with other brain malformations 6. Last evaluated: 2022-06-24. Review status: criteria provided, single submitter. Criteria: ACMG Guidelines, 2015. Collection method: clinical testing. Allele origin: germline. Inheritance: Autosomal dominant inheritance. Affected: yes.
Comment: Based on the classification scheme VCGS_Germline_v1.3.4, this variant is classified as VUS-3A. Following criteria are met: 0105 - The mechanism of disease for this gene is not clearly established, however dominant negative and loss of function have been suggested (PMIDs: 23246003, 26637975). (I) 0107 - This gene is associated with autosomal dominant disease. (I) 0200 - Variant is predicted to result in a missense amino acid change from alanine to valine. (I) 0251 - This variant is heterozygous. (I) 0301 - Variant is absent from gnomAD (both v2 and v3). (SP) 0502 - Missense variant with conflicting in silico predictions and high conservation. (I) 0603 - Missense variant in a region that is highly intolerant to missense variation (high constraint region in DECIPHER). (SP) 0705 - No comparable variants have previous evidence for pathogenicity. (I) 0809 - Previous evidence of pathogenicity for this variant is inconclusive. This variant has been classified as a VUS by a clinical laboratory in ClinVar. (I) 0905 - No published segregation evidence has been identified for this variant. (I) 1007 - No published functional evidence has been identified for this variant. (I) 1208 - Inheritance information for this variant is not currently available in this individual. (I) Legend: (SP) - Supporting pathogenic, (I) - Information, (SB) - Supporting benign

Baylor Genetics
Classification: Uncertain significance for Skin creases, congenital symmetric circumferential, 1. Last evaluated: 2018-12-28. Review status: criteria provided, single submitter. Criteria: ACMG Guidelines, 2015. Collection method: clinical testing. Allele origin: unknown. Affected: yes.
Comment: This variant was determined to be of uncertain significance according to ACMG Guidelines, 2015 [PMID:25741868].

Literature cited by the submitters: PubMed 23246003 (cited by Victorian Clinical Genetics Services, Murdoch Childrens Research Institute); PubMed 26637975 (cited by Victorian Clinical Genetics Services, Murdoch Childrens Research Institute).

NM_178014.4(TUBB):c.161C>T (p.Ala54Val)

Gene: TUBB (tubulin beta class I; plus strand). Cytogenetic location: 6p21.33.
Variant type: single nucleotide variant.
Coding change: c.161C>T on transcript NM_178014.4 (MANE Select); coding-DNA position 161, C replaced by T.
Protein change: p.Ala54Val; replaces alanine 54 with valine.
Molecular consequence: missense variant. On other transcripts: 5 prime UTR variant (2), non-coding transcript variant (1), intron variant (1).
Genome position (GRCh38, 1-based): chr6:30,722,640, C>T. VCF-style: chr6-30722640-C-T. GRCh37 (hg19) VCF-style: chr6-30690417-C-T.
Other names: c.221C>T, p.Ala74Val (NM_001293212.2); c.161C>T, p.Ala54Val (NM_001293213.2); c.-56C>T (NM_001293215.2, NM_001293216.2); c.35-278C>T (NM_001293214.2); short protein forms A54V, A74V.
Identifiers: ClinVar variation 1031753 (VCV001031753.6), dbSNP rs1776362492, ClinGen allele CA363142974.